The following is an entry in ClinVar:

ClinVar aggregate classification (germline): Conflicting classifications of pathogenicity. Review status: criteria provided, conflicting classifications (1 of 4 stars). 5 submissions from 5 submitters: Pathogenic (1); Uncertain significance (3). 1 of the submissions does not count toward it. Last evaluated 2025-03-12.

Conditions:
RET-related disorder. Also called: RET-related disorders; RET-related condition; RET-related disease.
Hereditary cancer-predisposing syndrome. Also called: Tumor predisposition; Hereditary Cancer Syndrome; Hereditary neoplastic syndrome; Neoplastic Syndromes, Hereditary. Identifiers: Orphanet 140162, MedGen C0027672, MeSH D009386, MONDO:0015356.
Multiple endocrine neoplasia, type 2 (MEN2). Identifiers: Orphanet 653, MedGen C4048306, MONDO:0019003. Disease mechanism: gain of function.
Hirschsprung disease, susceptibility to, 1 (HSCR1). Also called: RET-Related Hirschsprung Disease. Identifiers: Orphanet 388, MedGen C3888239, MONDO:0007723, OMIM 142623.

Allele frequency attached by ClinVar (database versions not stated): gnomAD exomes below 0.00001.
gnomAD v4.1: 1 of 1,613,880 alleles (0.000062%); highest among the groups gnomAD compares: Non-Finnish European, 0.000085%; no homozygotes.

Submissions (5):

Ambry Genetics
Classification: Uncertain significance for Hereditary cancer-predisposing syndrome. Last evaluated: 2025-03-12. Review status: criteria provided, single submitter. Criteria: Ambry Variant Classification Scheme 2023. Collection method: clinical testing. Allele origin: germline.
Comment: The p.P399L variant (also known as c.1196C>T), located in coding exon 6 of the RET gene, results from a C to T substitution at nucleotide position 1196. The proline at codon 399 is replaced by leucine, an amino acid with similar properties. This alteration has been identified in multiple individuals diagnosed with Hirschsprung disease (Yin L et al. Eur J Hum Genet, 1994;2:272-80; Seri M et al. Hum Mutat, 1997;9:243-9; Sribudiani Y et al. Gastroenterology, 2018 Jul;155:118-129.e6). This amino acid position is highly conserved in available vertebrate species. In addition, this alteration is predicted to be deleterious by in silico analysis. Based on the available evidence, the clinical significance of this variant remains unclear.

Women's Health and Genetics/Laboratory Corporation of America, LabCorp
Classification: Uncertain significance. Last evaluated: 2022-11-16. Review status: criteria provided, single submitter. Criteria: LabCorp Variant Classification Summary - May 2015. Collection method: clinical testing. Allele origin: germline.
Comment: Variant summary: RET c.1196C>T (p.Pro399Leu) results in a non-conservative amino acid change in the encoded protein sequence. Five of five in-silico tools predict a damaging effect of the variant on protein function. The variant was absent in 251002 control chromosomes. c.1196C>T has been reported in the literature in individuals affected with features of Hirschsprung Disease (HSPR) (example, Sribudiani_2018, Kuil_2021, Yin_1994). One of these studies reported a large multigenerational family in which the variant was transmitted to 4 HSPR affected family members and one family member reportedly affected with "functional constipation" but not diagnosed as HSPR. Additionally, one HSPR affected family member did not carry this variant, demonstrating incomplete segregation with disease (Sribudiani_2018). The authors proposed the presence of a risk haplotype contributing to the disease by "enhancing" the penetrance of this RET variant. Furthermore, putative variants in other genes were reported to underlie the pathogenesis in the HSPR affected family member who did not carry this variant. These data indicate that the variant may be associated with disease. At least one publication reports experimental evidence evaluating an impact on protein function demonstrating disturbed protein glycosylation and impaired phosphorylation upon GNDF activation in-vitro (example, Sribudiani_2018). Two clinical diagnostic laboratories have submitted clinical-significance assessments for this variant to ClinVar after 2014 without evidence for independent evaluation. One laboratory classified the variant as pathogenic and one laboratory classified the variant as uncertain significance. Based on the evidence outlined above, given the multifactorial etiology of disease reported in the evidence ascertained herein, the variant was classified as a VUS-possibly pathogenic risk factor for Hirschsprung Disease.

Labcorp Genetics (formerly Invitae), Labcorp
Classification: Uncertain significance for Multiple endocrine neoplasia, type 2. Last evaluated: 2022-10-13. Review status: criteria provided, single submitter. Criteria: Invitae Variant Classification Sherloc (09022015). Collection method: clinical testing. Allele origin: germline.
Comment: Experimental studies have shown that this missense change affects RET function (PMID: 29601828). In summary, the available evidence is currently insufficient to determine the role of this variant in disease. Therefore, it has been classified as a Variant of Uncertain Significance. Algorithms developed to predict the effect of missense changes on protein structure and function (SIFT, PolyPhen-2, Align-GVGD) all suggest that this variant is likely to be disruptive. ClinVar contains an entry for this variant (Variation ID: 274004). This missense change has been observed in individual(s) with Hirschsprung disease (PMID: 7704557, 29601828). It has also been observed to segregate with disease in related individuals. This variant is not present in population databases (gnomAD no frequency). This sequence change replaces proline, which is neutral and non-polar, with leucine, which is neutral and non-polar, at codon 399 of the RET protein (p.Pro399Leu).

Blueprint Genetics
Classification: Pathogenic for RET-related disorders. Last evaluated: 2019-11-12. Review status: criteria provided, single submitter. Criteria: ACMG Guidelines, 2015. Collection method: clinical testing. Allele origin: germline. Affected: yes. Observed: 1 variant allele.

Clinical Genetics, Erasmus University Medical Center
Classification: Pathogenic for Hirschsprung disease, susceptibility to, 1. Last evaluated: 2016-11-18. Review status: no assertion criteria provided. Collection method: clinical testing. Allele origin: maternal. Inheritance: Oligogenic inheritance. Affected: yes. Observed: 1 variant allele, 1 heterozygote. Not counted in ClinVar's aggregate classification.

Literature cited by the submitters: PubMed 29601828 (cited by 3 submitters); PubMed 7704557 (cited by 3 submitters); PubMed 9090527 (cited by Ambry Genetics); PubMed 10664228 (cited by Women's Health and Genetics/Laboratory Corporation of America, LabCorp); PubMed 12915470 (cited by Women's Health and Genetics/Laboratory Corporation of America, LabCorp); PubMed 34358225 (cited by Women's Health and Genetics/Laboratory Corporation of America, LabCorp).

NM_020975.6(RET):c.1196C>T (p.Pro399Leu)

Gene: RET (ret proto-oncogene; plus strand). Cytogenetic location: 10q11.21.
Variant type: single nucleotide variant.
Coding change: c.1196C>T on transcript NM_020975.6 (MANE Select); coding-DNA position 1196, C replaced by T.
Protein change: p.Pro399Leu; replaces proline 399 with leucine.
Molecular consequence: missense variant.
Genome position (GRCh38, 1-based): chr10:43,109,163, C>T. VCF-style: chr10-43109163-C-T. GRCh37 (hg19) VCF-style: chr10-43604611-C-T.
Other names: c.1196C>T, p.Pro399Leu (NM_000323.2, NM_001406743.1, NM_001406744.1 and 6 more transcripts); c.434C>T, p.Pro145Leu (NM_001355216.2); c.1067C>T, p.Pro356Leu (NM_001406761.1, NM_001406762.1, NM_001406764.1 and 1 more transcripts); c.908C>T, p.Pro303Leu (NM_001406766.1, NM_001406767.1, NM_001406770.1); c.758C>T, p.Pro253Leu (NM_001406771.1, NM_001406773.1); c.470C>T, p.Pro157Leu (NM_001406775.1, NM_001406776.1, NM_001406777.1 and 1 more transcripts); c.206C>T, p.Pro69Leu (NM_001406784.1); short protein forms P399L, P145L, P253L, P356L, P157L, P303L, P69L.
Identifiers: ClinVar variation 274004 (VCV000274004.14), dbSNP rs1554818362, ClinGen allele CA376547754.